The following is an entry in ClinVar:

ClinVar aggregate classification (germline): Uncertain significance (1 of 4 stars; one submission).

Conditions:
Neutral lipid storage myopathy (NLSDM). Also called: NEUTRAL LIPID STORAGE DISEASE WITHOUT ICHTHYOSIS. Identifiers: Orphanet 98908, MedGen C1853136, MONDO:0012545, OMIM 610717.

Submission:

Labcorp Genetics (formerly Invitae), Labcorp
Classification: Uncertain significance for Neutral lipid storage myopathy. Last evaluated: 2022-12-06. Review status: criteria provided, single submitter. Criteria: Invitae Variant Classification Sherloc (09022015). Collection method: clinical testing. Allele origin: germline.
Comment: In summary, the available evidence is currently insufficient to determine the role of this variant in disease. Therefore, it has been classified as a Variant of Uncertain Significance. This variant has not been reported in the literature in individuals affected with PNPLA2-related conditions. This variant results in a copy number gain of the genomic region encompassing exon(s) 1-2 of the PNPLA2 gene. This region includes the initiator codon of the gene. This copy number gain extends beyond the assayed region for this gene and therefore may encompass additional genes. As the precise location of this event is unknown, it may be in tandem or it may be located elsewhere in the genome.

NC_000011.9:g.(?_532636)_(819925_?)dup

Genes: PHRF1 (PHD and ring finger domains 1; plus strand), MIR210HG (MIR210 host gene; minus strand), LRRC56 (leucine rich repeat containing 56; plus strand), TALDO1 (transaldolase 1; plus strand), IRF7 (interferon regulatory factor 7; minus strand) and 17 more. Cytogenetic location: 11p15.5.
Variant type: Duplication.
Identifiers: ClinVar variation 2426546 (VCV002426546.5).